The following is an entry in ClinVar:

ClinVar aggregate classification (germline): Uncertain significance (1 of 4 stars; one submission).

Conditions:
T-cell immunodeficiency, congenital alopecia, and nail dystrophy. Also called: Congenital alopecia and nail dystrophy associated with severe functional T-cell immunodeficiency; Pignata Guarino syndrome. Identifiers: Orphanet 169095, MedGen C1866426, MONDO:0011132, OMIM 601705.

Submission:

Labcorp Genetics (formerly Invitae), Labcorp
Classification: Uncertain significance for T-cell immunodeficiency, congenital alopecia, and nail dystrophy. Last evaluated: 2024-06-23. Review status: criteria provided, single submitter. Criteria: Invitae Variant Classification Sherloc (09022015). Collection method: clinical testing. Allele origin: germline.
Comment: This sequence change replaces glycine, which is neutral and non-polar, with serine, which is neutral and polar, at codon 343 of the FOXN1 protein (p.Gly343Ser). This variant is present in population databases (no rsID available, gnomAD 0.007%). This variant has not been reported in the literature in individuals affected with FOXN1-related conditions. Advanced modeling of protein sequence and biophysical properties (such as structural, functional, and spatial information, amino acid conservation, physicochemical variation, residue mobility, and thermodynamic stability) performed at Invitae indicates that this missense variant is not expected to disrupt FOXN1 protein function with a negative predictive value of 80%. In summary, the available evidence is currently insufficient to determine the role of this variant in disease. Therefore, it has been classified as a Variant of Uncertain Significance.

NM_001369369.1(FOXN1):c.1027G>A (p.Gly343Ser)

Gene: FOXN1 (forkhead box N1; plus strand). Cytogenetic location: 17q11.2.
Variant type: single nucleotide variant.
Coding change: c.1027G>A on transcript NM_001369369.1 (MANE Select); coding-DNA position 1027, G replaced by A.
Protein change: p.Gly343Ser; replaces glycine 343 with serine.
Molecular consequence: missense variant.
Genome position (GRCh38, 1-based): chr17:28,534,430, G>A. VCF-style: chr17-28534430-G-A. GRCh37 (hg19) VCF-style: chr17-26861448-G-A.
Other names: c.1027G>A, p.Gly343Ser (NM_003593.3); short protein forms G343S.
Identifiers: ClinVar variation 3631304 (VCV003631304.2).